The following is an entry in ClinVar:

ClinVar aggregate classification (germline): Uncertain significance (1 of 4 stars; one submission).

Conditions:
Charcot-Marie-Tooth disease type 2. Also called: Charcot-Marie-Tooth type 2. Identifiers: Orphanet 64746, MedGen C0270914, MONDO:0018993.

gnomAD v4.1: 2 of 1,614,090 alleles (0.00012%); highest among the groups gnomAD compares: Non-Finnish European, 0.00017%; no homozygotes.

Submission:

Labcorp Genetics (formerly Invitae), Labcorp
Classification: Uncertain significance for Charcot-Marie-Tooth disease type 2. Last evaluated: 2024-10-15. Review status: criteria provided, single submitter. Criteria: Invitae Variant Classification Sherloc (09022015). Collection method: clinical testing. Allele origin: germline.
Comment: This sequence change falls in intron 6 of the AARS gene. It does not directly change the encoded amino acid sequence of the AARS protein. It affects a nucleotide within the consensus splice site. This variant is not present in population databases (gnomAD no frequency). This variant has not been reported in the literature in individuals affected with AARS-related conditions. ClinVar contains an entry for this variant (Variation ID: 1682281). Variants that disrupt the consensus splice site are a relatively common cause of aberrant splicing (PMID: 17576681, 9536098). Algorithms developed to predict the effect of sequence changes on RNA splicing suggest that this variant is not likely to affect RNA splicing. In summary, the available evidence is currently insufficient to determine the role of this variant in disease. Therefore, it has been classified as a Variant of Uncertain Significance.

Literature cited by the submitters: PubMed 17576681; PubMed 9536098.

NM_001605.3(AARS1):c.816+6G>T

Gene: AARS1 (alanyl-tRNA synthetase 1; minus strand). Cytogenetic location: 16q22.1.
Variant type: single nucleotide variant.
Coding change: c.816+6G>T on transcript NM_001605.3 (MANE Select); 6 bases into the intron after coding-DNA position 816, G replaced by T.
Molecular consequence: intron variant.
Genome position (GRCh38, 1-based): chr16:70,270,190, C>A on the plus strand (G>T on the coding strand, the complement: AARS1 is on the minus strand). VCF-style: chr16-70270190-C-A. GRCh37 (hg19) VCF-style: chr16-70304093-C-A.
Identifiers: ClinVar variation 1682281 (VCV001682281.6), dbSNP rs2152162075, ClinGen allele CA2573152540.